The following is an entry in ClinVar:

ClinVar aggregate classification (germline): Pathogenic (1 of 4 stars; one submission).

Conditions:
Familial cancer of breast. Also called: Hereditary breast cancer; BREAST CANCER, FAMILIAL; hereditary breast carcinoma. Identifiers: Orphanet 227535, MedGen C0346153, MONDO:0016419, OMIM 114480. Disease mechanism: loss of function.

Submission:

Myriad Genetics, Inc.
Classification: Pathogenic for Familial cancer of breast. Last evaluated: 2023-06-01. Review status: criteria provided, single submitter. Criteria: Myriad Autosomal Dominant, Autosomal Recessive and X-Linked Classification Criteria (2023). Collection method: clinical testing. Allele origin: unknown.
Comment: This variant is considered pathogenic. This variant creates a frameshift predicted to result in premature protein truncation.

NM_032043.3(BRIP1):c.1101del (p.Tyr369fs)

Gene: BRIP1 (BRCA1 interacting DNA helicase 1; minus strand). Cytogenetic location: 17q23.2.
Variant type: Deletion.
Coding change: c.1101del on transcript NM_032043.3 (MANE Select); coding-DNA position 1101, one base deleted (T; older notation c.1101delT).
Protein change: p.Tyr369fs; shifts the reading frame from tyrosine 369.
Molecular consequence: frameshift variant.
Genome position (GRCh38, 1-based): chr17:61,801,292, A deleted on the plus strand (T on the coding strand, the reverse complement: BRIP1 is on the minus strand). VCF-style (leftmost placement, unchanged base first): chr17-61801291-GA-G. GRCh37 (hg19) VCF-style: chr17-59878652-GA-G.
Other names: short protein forms Y369fs.
Identifiers: ClinVar variation 2583688 (VCV002583688.2), dbSNP rs2545151988, ClinGen allele CA2582342221.
Genomic context (GRCh38, chr17:61,801,291, plus strand): 5'-TCATTTTTACACATATACTCACACTTTCCCTTATTTGTGCATCTAGAAGATAGTTGTAGG[GA>G]CAAAATATGATGTCAGCATCTTGTATTAGTTCTCGGGCTGTGTAATATGGACAGGCCTTT-3'